The following is an entry in ClinVar:

ClinVar aggregate classification (germline): Uncertain significance. Review status: criteria provided, multiple submitters, no conflicts (2 of 4 stars). 3 submissions from 3 submitters: Uncertain significance (3). Last evaluated 2024-10-21.

Allele frequency attached by ClinVar (database versions not stated): ExAC 0.00002.
gnomAD v4.1: 34 of 1,612,966 alleles (0.0021%); highest among the groups gnomAD compares: South Asian, 0.0055%; no homozygotes.

Submissions (3):

Ambry Genetics
Classification: Uncertain significance. Last evaluated: 2024-10-21. Review status: criteria provided, single submitter. Criteria: Ambry Variant Classification Scheme 2023. Collection method: clinical testing. Allele origin: germline.

Blueprint Genetics
Classification: Uncertain significance. Last evaluated: 2022-12-30. Review status: criteria provided, single submitter. Criteria: ACMG Guidelines, 2015. Collection method: clinical testing. Allele origin: germline.

Labcorp Genetics (formerly Invitae), Labcorp
Classification: Uncertain significance. Last evaluated: 2022-07-14. Review status: criteria provided, single submitter. Criteria: Invitae Variant Classification Sherloc (09022015). Collection method: clinical testing. Allele origin: germline.
Comment: ClinVar contains an entry for this variant (Variation ID: 1432353). Algorithms developed to predict the effect of missense changes on protein structure and function are either unavailable or do not agree on the potential impact of this missense change (SIFT: "Not Available"; PolyPhen-2: "Probably Damaging"; Align-GVGD: "Not Available"). In summary, the available evidence is currently insufficient to determine the role of this variant in disease. Therefore, it has been classified as a Variant of Uncertain Significance. This variant has not been reported in the literature in individuals affected with CEP250-related conditions. This sequence change replaces arginine, which is basic and polar, with histidine, which is basic and polar, at codon 2376 of the CEP250 protein (p.Arg2376His). This variant is present in population databases (rs374274791, gnomAD 0.006%).

NM_007186.6(CEP250):c.7127G>A (p.Arg2376His)

Gene: CEP250 (centrosomal protein 250; plus strand). Cytogenetic location: 20q11.22.
Variant type: single nucleotide variant.
Coding change: c.7127G>A on transcript NM_007186.6 (MANE Select); coding-DNA position 7127, G replaced by A.
Protein change: p.Arg2376His; replaces arginine 2376 with histidine.
Molecular consequence: missense variant.
Genome position (GRCh38, 1-based): chr20:35,511,424, G>A. VCF-style: chr20-35511424-G-A. GRCh37 (hg19) VCF-style: chr20-34099253-G-A.
Other names: c.7127G>A (NM_007186.3); c.5231G>A, p.Arg1744His (NM_001318219.1); short protein forms R1744H, R2376H.
Identifiers: ClinVar variation 1432353 (VCV001432353.12), dbSNP rs374274791, ClinGen allele CA9834254.